The following is an entry in ClinVar:

ClinVar aggregate classification (germline): Conflicting classifications of pathogenicity. Review status: criteria provided, conflicting classifications (1 of 4 stars). 2 submissions from 2 submitters: Uncertain significance (1); Benign (1). Last evaluated 2025-04-01.

Allele frequency attached by ClinVar (database versions not stated): TOPMed 0.00091; gnomAD 0.00092; gnomAD exomes 0.00170; ESP Exome Variant Server 0.00239; 1000 Genomes Project 30x 0.00016; 1000 Genomes Project 0.00020; ExAC 0.00067.
gnomAD v4.1: 2,702 of 1,609,766 alleles (0.17%); highest among the groups gnomAD compares: Non-Finnish European, 0.21%; 6 homozygotes.

Submissions (2):

CeGaT Center for Human Genetics Tuebingen
Classification: Benign. Last evaluated: 2025-04-01. Review status: criteria provided, single submitter. Criteria: CeGaT Center For Human Genetics Tuebingen Variant Classification Criteria Version 2. Collection method: clinical testing. Allele origin: germline. Affected: yes. Observed: 1 variant allele.
Comment: DNAH14: BS1, BS2

GeneDx
Classification: Uncertain significance. Last evaluated: 2023-02-16. Review status: criteria provided, single submitter. Criteria: GeneDx Variant Classification Process June 2021. Collection method: clinical testing. Allele origin: germline. Affected: yes.
Comment: Reported in an individual who harbored a second DNAH14 variant in trans; however they also harbored a de novo variant in AHDC1 which may explain their phenotype (Khayat et al., 2021); Nonsense variant predicted to result in protein truncation or nonsense mediated decay in a gene or region of a gene for which loss of function is not a well-established mechanism of disease; This variant is associated with the following publications: (PMID: 34950897)

NM_001367479.1(DNAH14):c.409C>T (p.Arg137Ter)

Gene: DNAH14 (dynein axonemal heavy chain 14; plus strand). Cytogenetic location: 1q42.12.
Variant type: single nucleotide variant.
Coding change: c.409C>T on transcript NM_001367479.1 (MANE Select); coding-DNA position 409, C replaced by T.
Protein change: p.Arg137Ter; replaces arginine 137 with a stop codon.
Molecular consequence: nonsense.
Genome position (GRCh38, 1-based): chr1:224,964,520, C>T. VCF-style: chr1-224964520-C-T. GRCh37 (hg19) VCF-style: chr1-225152222-C-T.
Other names: NM_001373.1:c.409C>T; c.409C>T, p.Arg137Ter (NM_001145154.3, NM_001349911.2, NM_001367481.1 and 1 more transcripts); c.259C>T, p.Arg87Ter (NM_001349912.2); short protein forms R137*, R87*.
Identifiers: ClinVar variation 2576886 (VCV002576886.11), dbSNP rs192345324, ClinGen allele CA1415530.